The following is an entry in ClinVar:

NM_005529.7(HSPG2):c.1783T>C (p.Phe595Leu)

Gene: HSPG2 (heparan sulfate proteoglycan 2; minus strand). Cytogenetic location: 1p36.12.
Variant type: single nucleotide variant.
Coding change: c.1783T>C on transcript NM_005529.7 (MANE Select); coding-DNA position 1783, T replaced by C.
Protein change: p.Phe595Leu; replaces phenylalanine 595 with leucine.
Molecular consequence: missense variant.
Genome position (GRCh38, 1-based): chr1:21,881,374, A>G on the plus strand (T>C on the coding strand, the complement: HSPG2 is on the minus strand). VCF-style: chr1-21881374-A-G. GRCh37 (hg19) VCF-style: chr1-22207867-A-G.
Other names: c.1783T>C (NM_005529.5); c.1786T>C, p.Phe596Leu (NM_001291860.2); short protein forms F595L, F596L.
Identifiers: ClinVar variation 2420649 (VCV002420649.7), dbSNP rs1208571955, ClinGen allele CA338966271.
Genomic context (GRCh38, chr1:21,881,374, plus strand): 5'-CAGGGTGGCAGCCCAGGCCCCTCACCTTGTTGCCCAGGAACTGTTCAGGCAGAGCCCAGA[A>G]GGAGTCGTGGACGAGGAAGCGGCGGGACAGGTCGACTAGCTGGAACTCGTGCAGGGATGG-3'
Protein context (NP_005520.4, residues 585-605): LSRRFLVHDS[Phe595Leu]WALPEQFLGN

ClinVar aggregate classification (germline): Uncertain significance. Review status: criteria provided, multiple submitters, no conflicts (2 of 4 stars). 2 submissions from 2 submitters: Uncertain significance (2). Last evaluated 2025-05-16.

Conditions:
Inborn genetic diseases. Identifiers: MedGen C0950123, MeSH D030342.

Allele frequency attached by ClinVar (database versions not stated): gnomAD exomes 0.00001; gnomAD 0.00002; TOPMed 0.00003.
gnomAD v4.1: 16 of 1,614,088 alleles (0.00099%); highest among the groups gnomAD compares: Non-Finnish European, 0.0014%; no homozygotes.

Submissions (2):

Ambry Genetics
Classification: Uncertain significance for Inborn genetic diseases. Last evaluated: 2025-05-16. Review status: criteria provided, single submitter. Criteria: Ambry Variant Classification Scheme 2023. Collection method: clinical testing. Allele origin: germline.

Labcorp Genetics (formerly Invitae), Labcorp
Classification: Uncertain significance. Last evaluated: 2022-04-23. Review status: criteria provided, single submitter. Criteria: Invitae Variant Classification Sherloc (09022015). Collection method: clinical testing. Allele origin: germline.
Comment: This sequence change replaces phenylalanine, which is neutral and non-polar, with leucine, which is neutral and non-polar, at codon 595 of the HSPG2 protein (p.Phe595Leu). The frequency data for this variant in the population databases is considered unreliable, as metrics indicate poor data quality at this position in the gnomAD database. This variant has not been reported in the literature in individuals affected with HSPG2-related conditions. Algorithms developed to predict the effect of missense changes on protein structure and function are either unavailable or do not agree on the potential impact of this missense change (SIFT: "Tolerated"; PolyPhen-2: "Probably Damaging"; Align-GVGD: "Class C0"). In summary, the available evidence is currently insufficient to determine the role of this variant in disease. Therefore, it has been classified as a Variant of Uncertain Significance.